The following is an entry in ClinVar:

NM_014363.6(SACS):c.10901A>C (p.Gln3634Pro)

Gene: SACS (sacsin molecular chaperone; minus strand). Cytogenetic location: 13q12.12.
Variant type: single nucleotide variant.
Coding change: c.10901A>C on transcript NM_014363.6 (MANE Select); coding-DNA position 10901, A replaced by C.
Protein change: p.Gln3634Pro; replaces glutamine 3634 with proline.
Molecular consequence: missense variant.
Genome position (GRCh38, 1-based): chr13:23,332,975, T>G on the plus strand (A>C on the coding strand, the complement: SACS is on the minus strand). VCF-style: chr13-23332975-T-G. GRCh37 (hg19) VCF-style: chr13-23907114-T-G.
Other names: c.10460A>C, p.Gln3487Pro (NM_001278055.2); short protein forms Q3487P, Q3634P.
Identifiers: ClinVar variation 1678640 (VCV001678640.2), dbSNP rs150900362, ClinGen allele CA387511168.

ClinVar aggregate classification (germline): Uncertain significance (1 of 4 stars; one submission).

Conditions:
Charlevoix-Saguenay spastic ataxia (SACS). Also called: SPASTIC ATAXIA 6, AUTOSOMAL RECESSIVE; Spastic ataxia of Charlevoix-Saguenay; AUTOSOMAL RECESSIVE SPASTIC ATAXIA OF CHARLEVOIX-SAGUENAY. Identifiers: Orphanet 98, MedGen C1849140, MONDO:0010041, OMIM 270550.

Submission:

Molecular Genetics, Royal Melbourne Hospital
Classification: Uncertain significance for Charlevoix-Saguenay spastic ataxia. Last evaluated: 2021-03-12. Review status: criteria provided, single submitter. Criteria: ACMG Guidelines, 2015. Collection method: clinical testing. Allele origin: germline. Affected: yes.
Comment: This sequence change is predicted to replace glutamine with proline at codon 3634 of the SACS protein (p.Gln3634Pro). The glutamine residue is conserved in mammals and birds, but not in fish (100 vertebrates, UCSC), and is located in the sacsin internal repeat 3 short repeat X (SIRPT3-srX) domain (PMID: 23280630). There is a moderate physicochemical difference between glutamine and proline. The variant is absent in a large population cohort (gnomAD v2.1 - PM2). The variant has not been reported in the relevant medical literature or databases. Multiple lines of computational evidence have conflicting predictions for the missense substitution (4/7 algorithms), however the proline substitution is predicted to disrupt an alpha-helix and this can have severe effects on the structure of the protein (PP3). Based on the classification scheme RMH ACMG Guidelines v1.2.1, this variant is classified as a VARIANT of UNCERTAIN SIGNIFICANCE. Following criteria are met: PM2, PP3, PP4.

Literature cited by the submitters: PubMed 23280630.